The following is an entry in ClinVar:

ClinVar aggregate classification (germline): Uncertain significance (1 of 4 stars; one submission).

gnomAD v4.1: 1 of 1,613,970 alleles (0.000062%); highest among the groups gnomAD compares: Admixed American, 0.0017%; no homozygotes.

Submission:

GeneDx
Classification: Uncertain significance. Last evaluated: 2025-01-31. Review status: criteria provided, single submitter. Criteria: GeneDx Variant Classification Process June 2021. Collection method: clinical testing. Allele origin: germline. Affected: yes.
Comment: Not observed at significant frequency in large population cohorts (gnomAD); In silico analysis indicates that this missense variant does not alter protein structure/function; Has not been previously published as pathogenic or benign to our knowledge

NM_004958.4(MTOR):c.4531A>G (p.Lys1511Glu)

Gene: MTOR (mechanistic target of rapamycin kinase; minus strand). Cytogenetic location: 1p36.22.
Variant type: single nucleotide variant.
Coding change: c.4531A>G on transcript NM_004958.4 (MANE Select); coding-DNA position 4531, A replaced by G.
Protein change: p.Lys1511Glu; replaces lysine 1511 with glutamic acid.
Molecular consequence: missense variant.
Genome position (GRCh38, 1-based): chr1:11,150,165, T>C on the plus strand (A>G on the coding strand, the complement: MTOR is on the minus strand). VCF-style: chr1-11150165-T-C. GRCh37 (hg19) VCF-style: chr1-11210222-T-C.
Other names: c.4531A>G, p.Lys1511Glu (NM_001386500.1); c.3283A>G, p.Lys1095Glu (NM_001386501.1); short protein forms K1095E, K1511E.
Identifiers: ClinVar variation 4072741 (VCV004072741.1).